The following is an entry in ClinVar:

NM_020366.4(RPGRIP1):c.1877A>G (p.Asn626Ser)

Gene: RPGRIP1 (RPGR interacting protein 1; plus strand). Cytogenetic location: 14q11.2.
Variant type: single nucleotide variant.
Coding change: c.1877A>G on transcript NM_020366.4 (MANE Select); coding-DNA position 1877, A replaced by G.
Protein change: p.Asn626Ser; replaces asparagine 626 with serine.
Molecular consequence: missense variant. On other transcripts: intron variant (4).
Genome position (GRCh38, 1-based): chr14:21,324,732, A>G. VCF-style: chr14-21324732-A-G. GRCh37 (hg19) VCF-style: chr14-21792891-A-G.
Other names: c.1877A>G (NM_020366.3); c.803A>G, p.Asn268Ser (NM_001377948.1); c.796+7A>G (NM_001377949.1); c.688+2728A>G (NM_001377523.1, NM_001377950.1); c.190+2728A>G (NM_001377951.1); short protein forms N268S, N626S.
Identifiers: ClinVar variation 1502418 (VCV001502418.8), dbSNP rs1247485541, ClinGen allele CA388867111.

ClinVar aggregate classification (germline): Uncertain significance. Review status: criteria provided, multiple submitters, no conflicts (2 of 4 stars). 2 submissions from 2 submitters: Uncertain significance (2). Last evaluated 2023-08-15.

Conditions:
Inborn genetic diseases. Identifiers: MedGen C0950123, MeSH D030342.
Cone-rod dystrophy 13 (CORD13). Identifiers: Orphanet 1872, MedGen C2750720, MONDO:0011987, OMIM 608194.
Leber congenital amaurosis 6 (LCA6). Identifiers: Orphanet 65, MedGen C1854260, MONDO:0013446, OMIM 613826.

Allele frequency attached by ClinVar (database versions not stated): gnomAD exomes below 0.00001; TOPMed below 0.00001.
gnomAD v4.1: 5 of 1,614,038 alleles (0.00031%); highest among the groups gnomAD compares: Admixed American, 0.0017%; no homozygotes.

Submissions (2):

Ambry Genetics
Classification: Uncertain significance for Inborn genetic diseases. Last evaluated: 2023-08-15. Review status: criteria provided, single submitter. Criteria: Ambry Variant Classification Scheme 2023. Collection method: clinical testing. Allele origin: germline.

Labcorp Genetics (formerly Invitae), Labcorp
Classification: Uncertain significance for Leber congenital amaurosis 6; Cone-rod dystrophy 13. Last evaluated: 2022-09-01. Review status: criteria provided, single submitter. Criteria: Invitae Variant Classification Sherloc (09022015). Collection method: clinical testing. Allele origin: germline.
Comment: In summary, the available evidence is currently insufficient to determine the role of this variant in disease. Therefore, it has been classified as a Variant of Uncertain Significance. Algorithms developed to predict the effect of missense changes on protein structure and function are either unavailable or do not agree on the potential impact of this missense change (SIFT: "Tolerated"; PolyPhen-2: "Probably Damaging"; Align-GVGD: "Class C0"). ClinVar contains an entry for this variant (Variation ID: 1502418). This variant has not been reported in the literature in individuals affected with RPGRIP1-related conditions. This variant is present in population databases (no rsID available, gnomAD 0.003%). This sequence change replaces asparagine, which is neutral and polar, with serine, which is neutral and polar, at codon 626 of the RPGRIP1 protein (p.Asn626Ser).